The following is an entry in ClinVar:

ClinVar aggregate classification (germline): Likely benign (0 of 4 stars; one submission).

Conditions:
ATXN8OS-related disorder. Also called: ATXN8OS-related condition.

Allele frequency attached by ClinVar (database versions not stated): TOPMed 0.20731; gnomAD 0.21670; 1000 Genomes Project 30x 0.25765; 1000 Genomes Project 0.26697.
gnomAD v4.1: 32,830 of 152,010 alleles (22%); highest among the groups gnomAD compares: East Asian, 53%; 4,021 homozygotes.

Submission:

PreventionGenetics, part of Exact Sciences
Classification: Likely benign for ATXN8OS-related condition. Last evaluated: 2023-01-25. Review status: no assertion criteria provided. Collection method: clinical testing. Allele origin: germline.
Comment: This variant is classified as likely benign based on ACMG/AMP sequence variant interpretation guidelines (Richards et al. 2015 PMID: 25741868, with internal and published modifications).

NR_002717.3(ATXN8OS):n.1256A>G

Gene: ATXN8OS (ATXN8 opposite strand lncRNA; plus strand). Cytogenetic location: 13q21.33.
Variant type: single nucleotide variant.
Molecular consequence: non-coding transcript variant (on NR_002717.3).
Genome position: GRCh38 VCF-style: chr13-70139745-A-G. GRCh37 (hg19) VCF-style: chr13-70713877-A-G.
Identifiers: ClinVar variation 3057207 (VCV003057207.2), dbSNP rs61964572, ClinGen allele CA252266853.